The following is an entry in ClinVar:

NM_016373.4(WWOX):c.606-17G>A

Gene: WWOX (WW domain containing oxidoreductase; plus strand). Cytogenetic location: 16q23.1.
Variant type: single nucleotide variant.
Coding change: c.606-17G>A on transcript NM_016373.4 (MANE Select); 17 bases into the intron before coding-DNA position 606, G replaced by A.
Molecular consequence: intron variant.
Genome position (GRCh38, 1-based): chr16:78,424,853, G>A. VCF-style: chr16-78424853-G-A. GRCh37 (hg19) VCF-style: chr16-78458750-G-A.
Other names: c.267-17G>A (NM_001291997.2).
Identifiers: ClinVar variation 260742 (VCV000260742.15), dbSNP rs4130513, ClinGen allele CA8183380.

ClinVar aggregate classification (germline): Benign. Review status: criteria provided, multiple submitters, no conflicts (2 of 4 stars). 8 submissions from 7 submitters: Benign (8). Last evaluated 2026-02-03.

Conditions:
Developmental and epileptic encephalopathy, 1 (DEE1). Also called: X-linked infantile spasms; West's syndrome; Tonic spasms with clustering, arrest of psychomotor development and hypsarrhythmia on EEG; X-Linked Infantile Spasm Syndrome; OHTAHARA SYNDROME, X-LINKED; INFANTILE SPASM SYNDROME, X-LINKED 1. Identifiers: MedGen C3463992, MONDO:0010632, OMIM 308350. Disease mechanism: loss of function.
Autosomal recessive spinocerebellar ataxia 12. Also called: SPINOCEREBELLAR ATAXIA WITH MENTAL RETARDATION AND EPILEPSY. Identifiers: Orphanet 284282, MedGen C3280452, MONDO:0013687, OMIM 614322.
Developmental and epileptic encephalopathy, 28 (DEE28). Also called: Epileptic encephalopathy, early infantile, 28. Identifiers: Orphanet 442835, MedGen C4015519, MONDO:0014533, OMIM 616211.

Allele frequency attached by ClinVar (database versions not stated): ESP Exome Variant Server 0.23009; gnomAD 0.23480 and 0.24208; TOPMed 0.25077; 1000 Genomes Project 0.29233; 1000 Genomes Project 30x 0.30403.
gnomAD v4.1: 172,565 of 1,613,034 alleles (11%); highest among the groups gnomAD compares: African/African-American, 61%; 20,608 homozygotes.

Submissions (8):

Labcorp Genetics (formerly Invitae), Labcorp
Classification: Benign for Developmental and epileptic encephalopathy, 1; Autosomal recessive spinocerebellar ataxia 12. Last evaluated: 2026-02-03. Review status: criteria provided, single submitter. Criteria: Invitae Variant Classification Sherloc (09022015). Collection method: clinical testing. Allele origin: germline.

Blueprint Genetics
Classification: Benign. Last evaluated: 2024-11-27. Review status: criteria provided, single submitter. Criteria: ACMG Guidelines, 2015. Collection method: clinical testing. Allele origin: germline.

Unidad de Genómica Garrahan, Hospital de Pediatría Garrahan
Classification: Benign. Last evaluated: 2024-07-15. Review status: criteria provided, single submitter. Criteria: ACMG Guidelines, 2015. Collection method: clinical testing. Allele origin: germline. Affected: no. Observed: 21 variant alleles.
Comment: This variant is classified as Benign based on local population frequency. This variant was detected in 23% of patients studied in a panel designed for Epileptic and Developmental Encephalopathy and Progressive Myoclonus Epilepsy. Number of patients: 21. Only high quality variants are reported.

Genome-Nilou Lab
Classification: Benign for Developmental and epileptic encephalopathy, 28. Last evaluated: 2021-12-05. Review status: criteria provided, single submitter. Criteria: ACMG Guidelines, 2015. Collection method: clinical testing. Allele origin: germline. Affected: no.

Genome-Nilou Lab
Classification: Benign for Autosomal recessive spinocerebellar ataxia 12. Last evaluated: 2021-12-05. Review status: criteria provided, single submitter. Criteria: ACMG Guidelines, 2015. Collection method: clinical testing. Allele origin: germline. Affected: no.

GeneDx
Classification: Benign. Last evaluated: 2016-01-12. Review status: criteria provided, single submitter. Criteria: GeneDx Variant Classification (06012015). Collection method: clinical testing. Allele origin: germline. Affected: yes.
Comment: This variant is considered likely benign or benign based on one or more of the following criteria: it is a conservative change, it occurs at a poorly conserved position in the protein, it is predicted to be benign by multiple in silico algorithms, and/or has population frequency not consistent with disease.

Breakthrough Genomics
Classification: Benign. Review status: criteria provided, single submitter. Criteria: ACMG Guidelines, 2015. Collection method: not provided. Allele origin: germline. Inheritance: Autosomal recessive inheritance. Affected: yes.

PreventionGenetics, part of Exact Sciences
Classification: Benign. Review status: criteria provided, single submitter. Criteria: ACMG Guidelines, 2015. Collection method: clinical testing. Allele origin: germline.